The following is an entry in ClinVar:

ClinVar aggregate classification (germline): Uncertain significance (1 of 4 stars; one submission).

Conditions:
Inborn genetic diseases. Identifiers: MedGen C0950123, MeSH D030342.

gnomAD v4.1: 1 of 1,613,432 alleles (0.000062%); highest among the groups gnomAD compares: Non-Finnish European, 0.000085%; no homozygotes.

Submission:

Ambry Genetics
Classification: Uncertain significance for Inborn genetic diseases. Last evaluated: 2025-12-27. Review status: criteria provided, single submitter. Criteria: Ambry Variant Classification Scheme 2023. Collection method: clinical testing. Allele origin: germline.
Comment: The p.I1359K variant (also known as c.4076T>A), located in coding exon 1 of the SAMD9 gene, results from a T to A substitution at nucleotide position 4076. The isoleucine at codon 1359 is replaced by lysine, an amino acid with dissimilar properties. This amino acid position is conserved. In addition, this alteration is predicted to be tolerated by in silico analysis. Based on the available evidence, the clinical significance of this variant remains unclear.

NM_017654.4(SAMD9):c.4076T>A (p.Ile1359Lys)

Gene: SAMD9 (sterile alpha motif domain containing 9; minus strand). Cytogenetic location: 7q21.2.
Variant type: single nucleotide variant.
Coding change: c.4076T>A on transcript NM_017654.4 (MANE Select); coding-DNA position 4076, T replaced by A.
Protein change: p.Ile1359Lys; replaces isoleucine 1359 with lysine.
Molecular consequence: missense variant.
Genome position (GRCh38, 1-based): chr7:93,102,022, A>T on the plus strand (T>A on the coding strand, the complement: SAMD9 is on the minus strand). VCF-style: chr7-93102022-A-T. GRCh37 (hg19) VCF-style: chr7-92731335-A-T.
Other names: c.4076T>A, p.Ile1359Lys (NM_001193307.2); short protein forms I1359K.
Identifiers: ClinVar variation 4843124 (VCV004843124.1).